The following is an entry in ClinVar:

ClinVar aggregate classification (germline): Uncertain significance (1 of 4 stars; one submission).

Conditions:
Symmetrical dyschromatosis of extremities (DSH). Also called: RETICULATE ACROPIGMENTATION OF DOHI; SYMMETRIC DYSCHROMATOSIS OF THE EXTREMITIES; DYSCHROMATOSIS SYMMETRICA HEREDITARIA 1; Dyschromatosis symmetrica hereditaria. Identifiers: Orphanet 41, MedGen C0406775, MONDO:0007483, OMIM 127400.
Aicardi-Goutieres syndrome 6 (AGS6). Identifiers: Orphanet 51, MedGen C3539013, MONDO:0014007, OMIM 615010.

Allele frequency attached by ClinVar (database versions not stated): ExAC 0.00002; gnomAD exomes 0.00001.
gnomAD v4.1: 14 of 1,614,238 alleles (0.00087%); highest among the groups gnomAD compares: South Asian, 0.015%; no homozygotes.

Submission:

Labcorp Genetics (formerly Invitae), Labcorp
Classification: Uncertain significance for Aicardi-Goutieres syndrome 6; Symmetrical dyschromatosis of extremities. Last evaluated: 2025-10-07. Review status: criteria provided, single submitter. Criteria: Invitae Variant Classification Sherloc (09022015). Collection method: clinical testing. Allele origin: germline.
Comment: This sequence change replaces leucine, which is neutral and non-polar, with proline, which is neutral and non-polar, at codon 41 of the ADAR protein (p.Leu41Pro). This variant is present in population databases (rs772901944, gnomAD 0.02%). This variant has not been reported in the literature in individuals affected with ADAR-related conditions. ClinVar contains an entry for this variant (Variation ID: 2937295). An algorithm developed to predict the effect of missense changes on protein structure and function (PolyPhen-2) suggests that this variant is likely to be tolerated. In summary, the available evidence is currently insufficient to determine the role of this variant in disease. Therefore, it has been classified as a Variant of Uncertain Significance.

NM_001111.5(ADAR):c.122T>C (p.Leu41Pro)

Gene: ADAR (adenosine deaminase RNA specific; minus strand). Cytogenetic location: 1q21.3.
Variant type: single nucleotide variant.
Coding change: c.122T>C on transcript NM_001111.5 (MANE Select); coding-DNA position 122, T replaced by C.
Protein change: p.Leu41Pro; replaces leucine 41 with proline.
Molecular consequence: missense variant. On other transcripts: 5 prime UTR variant (6).
Genome position (GRCh38, 1-based): chr1:154,602,520, A>G on the plus strand (T>C on the coding strand, the complement: ADAR is on the minus strand). VCF-style: chr1-154602520-A-G. GRCh37 (hg19) VCF-style: chr1-154574996-A-G.
Other names: c.-764T>C (NM_001025107.3, NM_001193495.2, NM_001365048.1); c.149T>C, p.Leu50Pro (NM_001365045.1); c.-628T>C (NM_001365046.1, NM_001365047.1, NM_001365049.1); c.122T>C, p.Leu41Pro (NM_015840.4, NM_015841.4); short protein forms L50P, L41P.
Identifiers: ClinVar variation 2937295 (VCV002937295.3), dbSNP rs772901944, ClinGen allele CA1131760.